The following is an entry in ClinVar:

ClinVar aggregate classification (germline): Pathogenic/Likely pathogenic. Review status: criteria provided, multiple submitters, no conflicts (2 of 4 stars). 2 submissions from 2 submitters: Pathogenic (1); Likely pathogenic (1). Last evaluated 2025-01-10.

Conditions:
Chondrodysplasia punctata 2 X-linked dominant (CDPX2). Also called: EBP-Related X-Linked Chondrodysplasia Punctata; CONRADI-HUNERMANN-HAPPLE SYNDROME; Hunermann-Conradi Syndrome; HAPPLE SYNDROME. Identifiers: Orphanet 35173, MedGen C0282102, MONDO:0020603, OMIM 302960.

Submissions (2):

Dasa
Classification: Likely pathogenic. Last evaluated: 2025-01-10. Review status: criteria provided, single submitter. Criteria: DASA Assertion Criteria. Collection method: clinical testing. Allele origin: germline.
Comment: NM_006579.3(EBP):c.182G>A (p.Trp61*) is a nonsense variant in EBP predicted to introduce a premature termination codon and is predicted to result in an absent or altered protein product. Loss of function is an established disease mechanism for EBP (PMID: 11038443; PMID: 12509714; PMID: 10942423). Also, this variant is absent from population databases. Based on the currently available evidence, this variant is classified as likely pathogenic.

Genetic Services Laboratory, University of Chicago
Classification: Pathogenic for Chondrodysplasia punctata, X-linked dominant. Last evaluated: 2013-02-08. Review status: criteria provided, single submitter. Criteria: ACMG Guidelines, 2007. Collection method: clinical testing. Allele origin: germline. Inheritance: X-linked inheritance. Affected: yes.

Literature cited by the submitters: PubMed 12509714 (cited by Dasa); PubMed 11038443 (cited by Dasa); PubMed 10942423 (cited by Dasa).

NM_006579.3(EBP):c.182G>A (p.Trp61Ter)

Gene: EBP (EBP cholestenol delta-isomerase; plus strand). Cytogenetic location: Xp11.23.
Variant type: single nucleotide variant.
Coding change: c.182G>A on transcript NM_006579.3 (MANE Select); coding-DNA position 182, G replaced by A.
Protein change: p.Trp61Ter; replaces tryptophan 61 with a stop codon.
Molecular consequence: nonsense.
Genome position (GRCh38, 1-based): chrX:48,523,953, G>A. VCF-style: chrX-48523953-G-A. GRCh37 (hg19) VCF-style: chrX-48382341-G-A.
Other names: short protein forms W61*.
Identifiers: ClinVar variation 158532 (VCV000158532.8), dbSNP rs587783600, ClinGen allele CA271447.
Genomic context (GRCh38, chrX:48,523,953, plus strand): 5'-TCTTAGTCGTGACCACATGGCTGTTGTCAGGTCGTGCTGCGGTTGTCCCATTGGGGACTT[G>A]GCGGCGACTGTCCCTGTGCTGGTTTGCAGTGTGTGGGTTCATTCACCTGGTGATCGAGGG-3'